The following is an entry in ClinVar:

NM_030962.4(SBF2):c.452C>T (p.Ser151Phe)

Gene: SBF2 (SET binding factor 2; minus strand). Cytogenetic location: 11p15.4.
Variant type: single nucleotide variant.
Coding change: c.452C>T on transcript NM_030962.4 (MANE Select); coding-DNA position 452, C replaced by T.
Protein change: p.Ser151Phe; replaces serine 151 with phenylalanine.
Molecular consequence: missense variant.
Genome position (GRCh38, 1-based): chr11:10,029,826, G>A on the plus strand (C>T on the coding strand, the complement: SBF2 is on the minus strand). VCF-style: chr11-10029826-G-A. GRCh37 (hg19) VCF-style: chr11-10051373-G-A.
Other names: c.452C>T, p.Ser151Phe (NM_001386339.1, NM_001386342.1); c.488C>T, p.Ser163Phe (NM_001424318.1, NM_001425069.1, NM_001425070.1); short protein forms S151F, S163F.
Identifiers: ClinVar variation 4744130 (VCV004744130.1).
Genomic context (GRCh38, chr11:10,029,826, plus strand): 5'-TGAGACCCTCCAGCCGCTGGGACAAGGCAGGCACAAAGGTTTGCAATTAGACTTTCCAAG[G>A]AGACATTCAGGCTGTCCACATACACGGTATAGATCAAACCCAGGCAAGCCTGCAAAAAGA-3'
Protein context (NP_112224.1, residues 141-161): YTVYVDSLNV[Ser151Phe]LESLIANLCA

ClinVar aggregate classification (germline): Uncertain significance (1 of 4 stars; one submission).

Conditions:
Charcot-Marie-Tooth disease type 4. Also called: Charcot-Marie-Tooth disease, type IV; Charcot-Marie-Tooth, Type 4. Identifiers: Orphanet 64749, MedGen C4082197, MONDO:0018995.

Submission:

Labcorp Genetics (formerly Invitae), Labcorp
Classification: Uncertain significance for Charcot-Marie-Tooth disease type 4. Last evaluated: 2025-12-31. Review status: criteria provided, single submitter. Criteria: Invitae Variant Classification Sherloc (09022015). Collection method: clinical testing. Allele origin: germline.
Comment: This sequence change replaces serine, which is neutral and polar, with phenylalanine, which is neutral and non-polar, at codon 151 of the SBF2 protein (p.Ser151Phe). This variant is not present in population databases (gnomAD no frequency). This variant has not been reported in the literature in individuals affected with SBF2-related conditions. Invitae Evidence Modeling of protein sequence and biophysical properties (such as structural, functional, and spatial information, amino acid conservation, physicochemical variation, residue mobility, and thermodynamic stability) indicates that this missense variant is not expected to disrupt SBF2 protein function with a negative predictive value of 80%. In summary, the available evidence is currently insufficient to determine the role of this variant in disease. Therefore, it has been classified as a Variant of Uncertain Significance.